The following is an entry in ClinVar:

ClinVar aggregate classification (germline): Uncertain significance. Review status: criteria provided, multiple submitters, no conflicts (2 of 4 stars). 3 submissions from 3 submitters: Uncertain significance (3). Last evaluated 2023-08-20.

Conditions:
RASopathy. Also called: Noonan spectrum disorder; rasopathies. Identifiers: Orphanet 536391, MedGen C5555857, MONDO:0021060.
Noonan syndrome and Noonan-related syndrome. Identifiers: Orphanet 98733, MedGen C5681679, MONDO:0020297.

Allele frequency attached by ClinVar (database versions not stated): TOPMed below 0.00001; gnomAD 0.00001; ESP Exome Variant Server 0.00008; gnomAD exomes 0.00001.
gnomAD v4.1: 6 of 1,614,076 alleles (0.00037%); highest among the groups gnomAD compares: Non-Finnish European, 0.00051%; no homozygotes.

Submissions (3):

Labcorp Genetics (formerly Invitae), Labcorp
Classification: Uncertain significance for RASopathy. Last evaluated: 2023-08-20. Review status: criteria provided, single submitter. Criteria: Invitae Variant Classification Sherloc (09022015). Collection method: clinical testing. Allele origin: germline.
Comment: This variant is present in population databases (rs371140798, gnomAD 0.002%). This sequence change replaces serine, which is neutral and polar, with phenylalanine, which is neutral and non-polar, at codon 377 of the MAP2K1 protein (p.Ser377Phe). This variant has not been reported in the literature in individuals affected with MAP2K1-related conditions. ClinVar contains an entry for this variant (Variation ID: 1334254). Advanced modeling of protein sequence and biophysical properties (such as structural, functional, and spatial information, amino acid conservation, physicochemical variation, residue mobility, and thermodynamic stability) performed at Invitae indicates that this missense variant is not expected to disrupt MAP2K1 protein function. In summary, the available evidence is currently insufficient to determine the role of this variant in disease. Therefore, it has been classified as a Variant of Uncertain Significance.

Blueprint Genetics
Classification: Uncertain significance. Last evaluated: 2020-01-22. Review status: criteria provided, single submitter. Criteria: ACMG Guidelines, 2015. Collection method: clinical testing. Allele origin: germline.

Genome Diagnostics Laboratory, The Hospital for Sick Children
Classification: Uncertain significance for Noonan syndrome and Noonan-related syndrome. Last evaluated: 2016-12-12. Review status: criteria provided, single submitter. Criteria: ACMG Guidelines, 2015. Collection method: clinical testing. Allele origin: germline.

NM_002755.4(MAP2K1):c.1130C>T (p.Ser377Phe)

Genes: MAP2K1 (mitogen-activated protein kinase kinase 1; plus strand), SNAPC5 (small nuclear RNA activating complex polypeptide 5; minus strand). Cytogenetic location: 15q22.31.
Variant type: single nucleotide variant.
Coding change: c.1130C>T on transcript NM_002755.4 (MANE Select); coding-DNA position 1130, C replaced by T.
Protein change: p.Ser377Phe; replaces serine 377 with phenylalanine.
Molecular consequence: missense variant. On other transcripts: 3 prime UTR variant (1), non-coding transcript variant (1).
Genome position (GRCh38, 1-based): chr15:66,490,563, C>T. VCF-style: chr15-66490563-C-T. GRCh37 (hg19) VCF-style: chr15-66782901-C-T.
Other names: c.*176G>A (NM_006049.4); c.986C>T, p.Ser329Phe (NM_001411065.1); short protein forms S377F, S329F.
Identifiers: ClinVar variation 1334254 (VCV001334254.9), dbSNP rs371140798, ClinGen allele CA10646486.
Genomic context (GRCh38, chr15:66,490,563, plus strand): 5'-TTCATGCTTTTATCAAGAGATCTGATGCTGAGGAAGTGGATTTTGCAGGTTGGCTCTGCT[C>T]CACCATCGGCCTTAACCAGCCCAGCACACCAACCCATGCTGCTGGCGTCTAAGTGTTTGG-3'
Protein context (NP_002746.1, residues 367-387): EEVDFAGWLC[Ser377Phe]TIGLNQPSTP